The following is an entry in ClinVar:

ClinVar aggregate classification (germline): Uncertain significance (1 of 4 stars; one submission).

gnomAD v4.1: 16 of 1,612,442 alleles (0.00099%); highest among the groups gnomAD compares: Non-Finnish European, 0.0012%; no homozygotes.

Submission:

GeneDx
Classification: Uncertain significance. Last evaluated: 2025-02-10. Review status: criteria provided, single submitter. Criteria: GeneDx Variant Classification Process June 2021. Collection method: clinical testing. Allele origin: germline. Affected: yes.
Comment: In silico analysis indicates that this missense variant does not alter protein structure/function; Has not been previously published as pathogenic or benign to our knowledge

NM_017852.5(NLRP2):c.2372T>C (p.Val791Ala)

Gene: NLRP2 (NLR family pyrin domain containing 2; plus strand). Cytogenetic location: 19q13.42.
Variant type: single nucleotide variant.
Coding change: c.2372T>C on transcript NM_017852.5 (MANE Select); coding-DNA position 2372, T replaced by C.
Protein change: p.Val791Ala; replaces valine 791 with alanine.
Molecular consequence: missense variant. On other transcripts: non-coding transcript variant (1).
Genome position (GRCh38, 1-based): chr19:54,990,027, T>C. VCF-style: chr19-54990027-T-C. GRCh37 (hg19) VCF-style: chr19-55501395-T-C.
Other names: c.2372T>C, p.Val791Ala (NM_001174081.3); c.2306T>C, p.Val769Ala (NM_001174082.3); c.2303T>C, p.Val768Ala (NM_001174083.2); c.2363T>C, p.Val788Ala (NM_001348003.2); short protein forms V768A, V769A, V788A, V791A.
Identifiers: ClinVar variation 4074422 (VCV004074422.1).